The following is an entry in ClinVar:

ClinVar aggregate classification (germline): Uncertain significance (1 of 4 stars; one submission).

Allele frequency attached by ClinVar (database versions not stated): TOPMed below 0.00001; gnomAD 0.00001.
gnomAD v4.1: 1 of 1,583,702 alleles (0.000063%); highest among the groups gnomAD compares: African/African-American, 0.0013%; no homozygotes.

Submission:

Labcorp Genetics (formerly Invitae), Labcorp
Classification: Uncertain significance. Last evaluated: 2024-01-24. Review status: criteria provided, single submitter. Criteria: Invitae Variant Classification Sherloc (09022015). Collection method: clinical testing. Allele origin: germline.
Comment: This sequence change replaces proline, which is neutral and non-polar, with serine, which is neutral and polar, at codon 41 of the EIF2B5 protein (p.Pro41Ser). This variant is not present in population databases (gnomAD no frequency). This variant has not been reported in the literature in individuals affected with EIF2B5-related conditions. ClinVar contains an entry for this variant (Variation ID: 1989877). Advanced modeling of protein sequence and biophysical properties (such as structural, functional, and spatial information, amino acid conservation, physicochemical variation, residue mobility, and thermodynamic stability) performed at Invitae indicates that this missense variant is not expected to disrupt EIF2B5 protein function with a negative predictive value of 80%. In summary, the available evidence is currently insufficient to determine the role of this variant in disease. Therefore, it has been classified as a Variant of Uncertain Significance.

NM_003907.3(EIF2B5):c.121C>T (p.Pro41Ser)

Genes: EIF2B5 (eukaryotic translation initiation factor 2B subunit epsilon; plus strand), LOC129938041 (ATAC-STARR-seq lymphoblastoid silent region 14954; plus strand). Cytogenetic location: 3q27.1.
Variant type: single nucleotide variant.
Coding change: c.121C>T on transcript NM_003907.3 (MANE Select); coding-DNA position 121, C replaced by T.
Protein change: p.Pro41Ser; replaces proline 41 with serine.
Molecular consequence: missense variant.
Genome position (GRCh38, 1-based): chr3:184,135,506, C>T. VCF-style: chr3-184135506-C-T. GRCh37 (hg19) VCF-style: chr3-183853294-C-T.
Other names: short protein forms P41S.
Identifiers: ClinVar variation 1989877 (VCV001989877.4), dbSNP rs1378993789, ClinGen allele CA355381265.